The following is an entry in ClinVar:

NM_199420.4(POLQ):c.5735C>T (p.Ala1912Val)

Gene: POLQ (DNA polymerase theta; minus strand). Cytogenetic location: 3q13.33.
Variant type: single nucleotide variant.
Coding change: c.5735C>T on transcript NM_199420.4 (MANE Select); coding-DNA position 5735, C replaced by T.
Protein change: p.Ala1912Val; replaces alanine 1912 with valine.
Molecular consequence: missense variant.
Genome position (GRCh38, 1-based): chr3:121,485,079, G>A on the plus strand (C>T on the coding strand, the complement: POLQ is on the minus strand). VCF-style: chr3-121485079-G-A. GRCh37 (hg19) VCF-style: chr3-121203926-G-A.
Other names: short protein forms A1912V.
Identifiers: ClinVar variation 1749347 (VCV001749347.2), dbSNP rs2546782888, ClinGen allele CA354089039.

ClinVar aggregate classification (germline): Uncertain significance (1 of 4 stars; one submission).

Submission:

Ambry Genetics
Classification: Uncertain significance. Last evaluated: 2021-07-04. Review status: criteria provided, single submitter. Criteria: Ambry Variant Classification Scheme 2023. Collection method: clinical testing. Allele origin: germline.
Comment: The p.A1912V variant (also known as c.5735C>T), located in coding exon 17 of the POLQ gene, results from a C to T substitution at nucleotide position 5735. The alanine at codon 1912 is replaced by valine, an amino acid with similar properties. This amino acid position is conserved. In addition, the in silico prediction for this alteration is inconclusive. Since supporting evidence is limited at this time, the clinical significance of this alteration remains unclear.